The following is an entry in ClinVar:

ClinVar aggregate classification (germline): Uncertain significance (1 of 4 stars; one submission).

Submission:

Ambry Genetics
Classification: Uncertain significance. Last evaluated: 2024-05-07. Review status: criteria provided, single submitter. Criteria: Ambry Variant Classification Scheme 2023. Collection method: clinical testing. Allele origin: germline.
Comment: The p.A311T variant (also known as c.931G>A), located in coding exon 5 of the GALNT12 gene, results from a G to A substitution at nucleotide position 931. The alanine at codon 311 is replaced by threonine, an amino acid with similar properties. This amino acid position is conserved. In addition, this alteration is predicted to be deleterious by in silico analysis. Based on the available evidence, the clinical significance of this variant remains unclear.

NM_024642.5(GALNT12):c.931G>A (p.Ala311Thr)

Gene: GALNT12 (polypeptide N-acetylgalactosaminyltransferase 12; plus strand). Cytogenetic location: 9q22.33.
Variant type: single nucleotide variant.
Coding change: c.931G>A on transcript NM_024642.5 (MANE Select); coding-DNA position 931, G replaced by A.
Protein change: p.Ala311Thr; replaces alanine 311 with threonine.
Molecular consequence: missense variant.
Genome position (GRCh38, 1-based): chr9:98,835,262, G>A. VCF-style: chr9-98835262-G-A. GRCh37 (hg19) VCF-style: chr9-101597544-G-A.
Other names: short protein forms A311T.
Identifiers: ClinVar variation 3280581 (VCV003280581.1).